The following is an entry in ClinVar:

NM_057175.5(NAA15):c.783C>A (p.Tyr261Ter)

Gene: NAA15 (N-alpha-acetyltransferase 15, NatA auxiliary subunit; plus strand). Cytogenetic location: 4q31.1.
Variant type: single nucleotide variant.
Coding change: c.783C>A on transcript NM_057175.5 (MANE Select); coding-DNA position 783, C replaced by A.
Protein change: p.Tyr261Ter; replaces tyrosine 261 with a stop codon.
Molecular consequence: nonsense.
Genome position (GRCh38, 1-based): chr4:139,349,553, C>A. VCF-style: chr4-139349553-C-A. GRCh37 (hg19) VCF-style: chr4-140270707-C-A.
Other names: c.783C>A, p.Tyr261Ter (NM_001410842.1, NM_025085.2); short protein forms Y261*.
Identifiers: ClinVar variation 1711596 (VCV001711596.30), dbSNP rs2530391766, ClinGen allele CA358261102.

ClinVar aggregate classification (germline): Pathogenic (1 of 4 stars; one submission).

Submission:

CeGaT Center for Human Genetics Tuebingen
Classification: Pathogenic. Last evaluated: 2023-07-01. Review status: criteria provided, single submitter. Criteria: CeGaT Center For Human Genetics Tuebingen Variant Classification Criteria Version 2. Collection method: clinical testing. Allele origin: germline. Affected: yes. Observed: 2 variant alleles.
Comment: NAA15: PVS1, PM2